The following is an entry in ClinVar:

ClinVar aggregate classification (germline): Likely benign (1 of 4 stars; one submission).

Submission:

GeneDx
Classification: Likely benign. Last evaluated: 2020-04-09. Review status: criteria provided, single submitter. Criteria: GeneDx Variant Classification Process June 2021. Collection method: clinical testing. Allele origin: germline. Affected: yes.
Comment: See Variant Classification Assertion Criteria.

NC_000019.10:g.46851199del

Gene: AP2S1 (adaptor related protein complex 2 subunit sigma 1; minus strand). Cytogenetic location: 19q13.32.
Variant type: Deletion.
Genome position: GRCh38 VCF-style: chr19-46851197-TC-T. GRCh37 (hg19) VCF-style: chr19-47354454-TC-T.
Identifiers: ClinVar variation 1687667 (VCV001687667.3), dbSNP rs987884140, ClinGen allele CA309101633.
Genomic context (GRCh38, chr19:46,851,197, plus strand): 5'-ATGCTGGGAATAGTAGTTTTAAATTTTAAAAAACTGTCCTGGGGAGATAGAAAATGTCTT[TC>T]CATTCCTCATCCAGTGATTTCTTTAATTTTTTTAAAAATAGAGACAGGGGTCTAGATATA-3'